The following is an entry in ClinVar:

ClinVar aggregate classification (germline): Uncertain significance (1 of 4 stars; one submission).

Allele frequency attached by ClinVar (database versions not stated): gnomAD exomes below 0.00001.
gnomAD v4.1: 2 of 1,614,138 alleles (0.00012%); highest among the groups gnomAD compares: South Asian, 0.0011%; no homozygotes.

Submission:

Laboratory for Molecular Medicine, Mass General Brigham Personalized Medicine
Classification: Uncertain significance. Last evaluated: 2014-12-31. Review status: criteria provided, single submitter. Criteria: LMM Criteria. Collection method: clinical testing. Allele origin: germline. Observed: 1 variant allele.
Comment: The p.Val321Ile variant in TTN has not been previously reported in individuals w ith cardiomyopathy or in large population studies. Valine (Val) at position 321 is not completely conserved in evolution and 2 mammals (panda, elephant) carry a n isoleucine (Ile) at this position, raising the possibility that this change ma y be tolerated. Additional computational prediction tools do not provide strong support for or against an impact to the protein. In summary, the clinical signif icance of the p.Val321Ile variant is uncertain.

NM_001267550.2(TTN):c.961G>A (p.Val321Ile)

Gene: TTN (titin; minus strand). Cytogenetic location: 2q31.2.
Variant type: single nucleotide variant.
Coding change: c.961G>A on transcript NM_001267550.2 (MANE Select); coding-DNA position 961, G replaced by A.
Protein change: p.Val321Ile; replaces valine 321 with isoleucine.
Molecular consequence: missense variant.
Genome position (GRCh38, 1-based): chr2:178,795,206, C>T on the plus strand (G>A on the coding strand, the complement: TTN is on the minus strand). VCF-style: chr2-178795206-C-T. GRCh37 (hg19) VCF-style: chr2-179659933-C-T.
Other names: c.961G>A, p.Val321Ile (NM_133378.4, NM_001256850.1, NM_003319.4 and 3 more transcripts); short protein forms V321I.
Identifiers: ClinVar variation 229568 (VCV000229568.5), dbSNP rs876658099, ClinGen allele CA10576582.
Genomic context (GRCh38, chr2:178,795,206, plus strand): 5'-CTTCAGGACCTGTGGCCACGGTGGATGCCTGAGTCTTACGCATGAGCAATGGAGACCTAA[C>T]AGACCTGATGGGGGATGTGGAGATTCTTGCTGCTGGAGACACGGACCTGAAAACCAAAAG-3'
Protein context (NP_001254479.2, residues 311-331): ARISTSPIRS[Val321Ile]RSPLLMRKTQ